The following is an entry in ClinVar:

NM_032638.5(GATA2):c.695G>C (p.Gly232Ala)

Gene: GATA2 (GATA binding protein 2; minus strand). Cytogenetic location: 3q21.3.
Variant type: single nucleotide variant.
Coding change: c.695G>C on transcript NM_032638.5 (MANE Select); coding-DNA position 695, G replaced by C.
Protein change: p.Gly232Ala; replaces glycine 232 with alanine.
Molecular consequence: missense variant.
Genome position (GRCh38, 1-based): chr3:128,485,903, C>G on the plus strand (G>C on the coding strand, the complement: GATA2 is on the minus strand). VCF-style: chr3-128485903-C-G. GRCh37 (hg19) VCF-style: chr3-128204746-C-G.
Other names: c.695G>C, p.Gly232Ala (NM_001145661.2, NM_001145662.1); short protein forms G232A.
Identifiers: ClinVar variation 1315007 (VCV001315007.6), dbSNP rs2068689323, ClinGen allele CA354406231.
Genomic context (GRCh38, chr3:128,485,903, plus strand): 5'-TAGGAGGGGTAGGTGGGGATGGGGTGGTGTGTAGCAGGCTGGGTGCCCATAGTAGCTAGG[C>G]CTGGGCGCAGGGGACTGCCACTTTCCATCTTCATGCTCTCCGTCAGTGACACCTGGTACT-3'
Protein context (NP_116027.2, residues 222-242): KMESGSPLRP[Gly232Ala]LATMGTQPAT

ClinVar aggregate classification (germline): Uncertain significance. Review status: criteria provided, multiple submitters, no conflicts (2 of 4 stars). 2 submissions from 2 submitters: Uncertain significance (2). Last evaluated 2025-05-27.

Conditions:
Deafness-lymphedema-leukemia syndrome. Also called: Emberger syndrome; Lymphedema, primary, with myelodysplasia. Identifiers: Orphanet 3226, MedGen C3279664, MONDO:0013540, OMIM 614038.
Monocytopenia with susceptibility to infections. Also called: IMMUNODEFICIENCY 21; GATA2 DEFICIENCY; MONOCYTOPENIA AND MYCOBACTERIAL INFECTION SYNDROME; MONOCYTOPENIA WITH SUSCEPTIBILITY TO MYCOBACTERIAL, FUNGAL, AND PAPILLOMAVIRUS INFECTIONS AND MYELODYSPLASIA; COMBINED IMMUNODEFICIENCY WITH SUSCEPTIBILITY TO MYCOBACTERIAL, VIRAL, AND FUNGAL INFECTIONS; Dendritic cell, monocyte, B lymphocyte, and natural killer lymphocyte deficiency. Identifiers: Orphanet 228423, MedGen C3280030, MONDO:0013607, OMIM 614172.

Submissions (2):

Labcorp Genetics (formerly Invitae), Labcorp
Classification: Uncertain significance for Monocytopenia with susceptibility to infections; Deafness-lymphedema-leukemia syndrome. Last evaluated: 2025-05-27. Review status: criteria provided, single submitter. Criteria: Invitae Variant Classification Sherloc (09022015). Collection method: clinical testing. Allele origin: germline.
Comment: This sequence change replaces glycine, which is neutral and non-polar, with alanine, which is neutral and non-polar, at codon 232 of the GATA2 protein (p.Gly232Ala). This variant is not present in population databases (gnomAD no frequency). This variant has not been reported in the literature in individuals affected with GATA2-related conditions. ClinVar contains an entry for this variant (Variation ID: 1315007). Invitae Evidence Modeling of protein sequence and biophysical properties (such as structural, functional, and spatial information, amino acid conservation, physicochemical variation, residue mobility, and thermodynamic stability) indicates that this missense variant is not expected to disrupt GATA2 protein function with a negative predictive value of 95%. In summary, the available evidence is currently insufficient to determine the role of this variant in disease. Therefore, it has been classified as a Variant of Uncertain Significance.

GeneDx
Classification: Uncertain significance. Last evaluated: 2021-02-03. Review status: criteria provided, single submitter. Criteria: GeneDx Variant Classification Process June 2021. Collection method: clinical testing. Allele origin: germline. Affected: yes.
Comment: Not observed in large population cohorts (Lek 2016); In silico analysis supports that this missense variant does not alter protein structure/function; Has not been previously published as pathogenic or benign to our knowledge